The following is an entry in ClinVar:

ClinVar aggregate classification (germline): Uncertain significance. Review status: criteria provided, multiple submitters, no conflicts (2 of 4 stars). 2 submissions from 2 submitters: Uncertain significance (2). Last evaluated 2024-11-04.

Conditions:
Emery-Dreifuss muscular dystrophy 5, autosomal dominant (EDMD5). Also called: EMERY-DREIFUSS MUSCULAR DYSTROPHY 5. Identifiers: Orphanet 261, MedGen C2751805, MONDO:0013072, OMIM 612999.

Allele frequency attached by ClinVar (database versions not stated): gnomAD exomes below 0.00001; TOPMed 0.00001.
gnomAD v4.1: 4 of 1,614,126 alleles (0.00025%); highest among the groups gnomAD compares: Middle Eastern, 0.033%; no homozygotes.

Submissions (2):

Labcorp Genetics (formerly Invitae), Labcorp
Classification: Uncertain significance for Emery-Dreifuss muscular dystrophy 5, autosomal dominant. Last evaluated: 2024-11-04. Review status: criteria provided, single submitter. Criteria: Invitae Variant Classification Sherloc (09022015). Collection method: clinical testing. Allele origin: germline.
Comment: This sequence change replaces threonine, which is neutral and polar, with isoleucine, which is neutral and non-polar, at codon 3872 of the SYNE2 protein (p.Thr3872Ile). This variant is not present in population databases (gnomAD no frequency). This variant has not been reported in the literature in individuals affected with SYNE2-related conditions. ClinVar contains an entry for this variant (Variation ID: 643513). An algorithm developed to predict the effect of missense changes on protein structure and function (PolyPhen-2) suggests that this variant is likely to be tolerated. In summary, the available evidence is currently insufficient to determine the role of this variant in disease. Therefore, it has been classified as a Variant of Uncertain Significance.

Breakthrough Genomics
Classification: Uncertain significance. Review status: criteria provided, single submitter. Criteria: ACMG Guidelines, 2015. Collection method: not provided. Allele origin: germline. Inheritance: Autosomal dominant inheritance. Affected: yes.

NM_182914.3(SYNE2):c.11615C>T (p.Thr3872Ile)

Gene: SYNE2 (spectrin repeat containing nuclear envelope protein 2; plus strand). Cytogenetic location: 14q23.2.
Variant type: single nucleotide variant.
Coding change: c.11615C>T on transcript NM_182914.3 (MANE Select); coding-DNA position 11615, C replaced by T.
Protein change: p.Thr3872Ile; replaces threonine 3872 with isoleucine.
Molecular consequence: missense variant.
Genome position (GRCh38, 1-based): chr14:64,087,801, C>T. VCF-style: chr14-64087801-C-T. GRCh37 (hg19) VCF-style: chr14-64554519-C-T.
Other names: c.11615C>T, p.Thr3872Ile (NM_015180.6); short protein forms T3872I.
Identifiers: ClinVar variation 643513 (VCV000643513.9), dbSNP rs1595432634, ClinGen allele CA389946207.